The following is an entry in ClinVar:

ClinVar aggregate classification (germline): Uncertain significance (1 of 4 stars; one submission).

Conditions:
Hereditary sensory and autonomic neuropathy type 6. Also called: Neuropathy, hereditary sensory and autonomic, type VI; HSAN VI. Identifiers: Orphanet 314381, MedGen C3539003, MONDO:0013839, OMIM 614653.
Epidermolysis bullosa simplex 3, localized or generalized intermediate, with BP230 deficiency (EBS3). Also called: Epidermolysis bullosa simplex due to BP230 deficiency; Epidermolysis bullosa simplex, autosomal recessive 2. Identifiers: Orphanet 412181, MedGen C3809470, MONDO:0014180, OMIM 615425.

gnomAD v4.1: 3 of 1,613,068 alleles (0.00019%); highest among the groups gnomAD compares: Non-Finnish European, 0.00025%; no homozygotes.

Submission:

Labcorp Genetics (formerly Invitae), Labcorp
Classification: Uncertain significance for Epidermolysis bullosa simplex 3, localized or generalized intermediate, with BP230 deficiency; Hereditary sensory and autonomic neuropathy type 6. Last evaluated: 2021-04-16. Review status: criteria provided, single submitter. Criteria: Invitae Variant Classification Sherloc (09022015). Collection method: clinical testing. Allele origin: germline.
Comment: This variant has not been reported in the literature in individuals with DST-related conditions. This variant is not present in population databases (ExAC no frequency). This sequence change replaces leucine with phenylalanine at codon 80 of the DST protein (p.Leu80Phe). The leucine residue is highly conserved and there is a small physicochemical difference between leucine and phenylalanine. Algorithms developed to predict the effect of missense changes on protein structure and function are either unavailable or do not agree on the potential impact of this missense change (SIFT: "Deleterious"; PolyPhen-2: "Probably Damaging"; Align-GVGD: "Class C15"). In summary, the available evidence is currently insufficient to determine the role of this variant in disease. Therefore, it has been classified as a Variant of Uncertain Significance.

NM_001374736.1(DST):c.1849C>T (p.Leu617Phe)

Gene: DST (dystonin; minus strand). Cytogenetic location: 6p12.1.
Variant type: single nucleotide variant.
Coding change: c.1849C>T on transcript NM_001374736.1 (MANE Select); coding-DNA position 1849, C replaced by T.
Protein change: p.Leu617Phe; replaces leucine 617 with phenylalanine.
Molecular consequence: missense variant.
Genome position (GRCh38, 1-based): chr6:56,642,433, G>A on the plus strand (C>T on the coding strand, the complement: DST is on the minus strand). VCF-style: chr6-56642433-G-A. GRCh37 (hg19) VCF-style: chr6-56507231-G-A.
Other names: c.1849C>T, p.Leu617Phe (NM_001374722.1); c.1216C>T, p.Leu406Phe (NM_001374729.1, NM_001374730.1, NM_001386100.1 and 1 more transcripts); c.1876C>T, p.Leu626Phe (NM_001374734.1); c.238C>T, p.Leu80Phe (NM_001723.7, NM_015548.5); c.1750C>T, p.Leu584Phe (NM_001144769.5); c.1336C>T, p.Leu446Phe (NM_001144770.2); short protein forms L446F, L626F, L80F, L406F, L584F, L617F.
Identifiers: ClinVar variation 1483025 (VCV001483025.8), dbSNP rs2152781475, ClinGen allele CA364615215.